The following is an entry in ClinVar:

ClinVar aggregate classification (germline): Uncertain significance (1 of 4 stars; one submission).

Conditions:
MAK-related disorder. Also called: MAK-related condition.

Allele frequency attached by ClinVar (database versions not stated): gnomAD exomes below 0.00001 and 0.00001; gnomAD 0.00001 and 0.00002; TOPMed 0.00002; 1000 Genomes Project 30x 0.00016; 1000 Genomes Project 0.00020.
gnomAD v4.1: 8 of 1,583,910 alleles (0.00051%); highest among the groups gnomAD compares: East Asian, 0.0045%; no homozygotes.

Submission:

PreventionGenetics, part of Exact Sciences
Classification: Uncertain significance for MAK-related condition. Last evaluated: 2026-08-03. Review status: criteria provided, single submitter. Criteria: ACMG Guidelines, 2015. Collection method: clinical testing. Allele origin: germline.
Comment: The MAK c.119A>G variant is predicted to result in the amino acid substitution p.Tyr40Cys. To our knowledge, this variant has not been reported in the literature. This variant is reported in 0.0055% of alleles in individuals of East Asian descent in gnomAD. At this time, the clinical significance of this variant is uncertain due to the absence of conclusive functional and genetic evidence.

NM_001242957.3(MAK):c.119A>G (p.Tyr40Cys)

Gene: MAK (male germ cell associated kinase; minus strand). Cytogenetic location: 6p24.2.
Variant type: single nucleotide variant.
Coding change: c.119A>G on transcript NM_001242957.3 (MANE Select); coding-DNA position 119, A replaced by G.
Protein change: p.Tyr40Cys; replaces tyrosine 40 with cysteine.
Molecular consequence: missense variant. On other transcripts: non-coding transcript variant (2).
Genome position (GRCh38, 1-based): chr6:10,818,923, T>C on the plus strand (A>G on the coding strand, the complement: MAK is on the minus strand). VCF-style: chr6-10818923-T-C. GRCh37 (hg19) VCF-style: chr6-10819156-T-C.
Other names: c.119A>G (NM_001242957.2); c.119A>G, p.Tyr40Cys (NM_001242385.2, NM_005906.6); c.17A>G, p.Tyr6Cys (NM_001377262.1); short protein forms Y40C, Y6C.
Identifiers: ClinVar variation 4988943 (VCV004988943.1), dbSNP rs560065834.